The following is an entry in ClinVar:

NM_001556.3(IKBKB):c.1365-2A>C

Gene: IKBKB (inhibitor of nuclear factor kappa B kinase subunit beta; plus strand). Cytogenetic location: 8p11.21.
Variant type: single nucleotide variant.
Coding change: c.1365-2A>C on transcript NM_001556.3 (MANE Select); the canonical splice acceptor site of the intron before coding-DNA position 1365, A replaced by C.
Molecular consequence: splice acceptor variant.
Genome position (GRCh38, 1-based): chr8:42,319,268, A>C. VCF-style: chr8-42319268-A-C. GRCh37 (hg19) VCF-style: chr8-42176786-A-C.
Other names: c.1188-2A>C (NM_001242778.2); c.1173-2A>C (NM_001190720.3).
Identifiers: ClinVar variation 2749018 (VCV002749018.3), dbSNP rs2487691864, ClinGen allele CA371088826.

ClinVar aggregate classification (germline): Likely pathogenic (1 of 4 stars; one submission).

Conditions:
Severe combined immunodeficiency due to IKK2 deficiency. Also called: Immunodeficiency 15; IMMUNODEFICIENCY 15B. Identifiers: Orphanet 397787, MedGen C4747743, MONDO:0014267, OMIM 615592.

Submission:

Labcorp Genetics (formerly Invitae), Labcorp
Classification: Likely pathogenic for Severe combined immunodeficiency due to IKK2 deficiency. Last evaluated: 2023-08-07. Review status: criteria provided, single submitter. Criteria: Invitae Variant Classification Sherloc (09022015). Collection method: clinical testing. Allele origin: germline.
Comment: This variant is not present in population databases (gnomAD no frequency). In summary, the currently available evidence indicates that the variant is pathogenic, but additional data are needed to prove that conclusively. Therefore, this variant has been classified as Likely Pathogenic. Algorithms developed to predict the effect of sequence changes on RNA splicing suggest that this variant may disrupt the consensus splice site. This variant has not been reported in the literature in individuals affected with IKBKB-related conditions. This sequence change affects an acceptor splice site in intron 13 of the IKBKB gene. It is expected to disrupt RNA splicing. Variants that disrupt the donor or acceptor splice site typically lead to a loss of protein function (PMID: 16199547), and loss-of-function variants in IKBKB are known to be pathogenic (PMID: 24369075, 24679846).

Literature cited by the submitters: PubMed 16199547; PubMed 24369075; PubMed 24679846.